The following is an entry in ClinVar:

ClinVar aggregate classification (germline): Uncertain significance (1 of 4 stars; one submission).

Conditions:
Hereditary breast ovarian cancer syndrome. Also called: Hereditary breast and ovarian cancer; BRCA1- and BRCA2-Associated Hereditary Breast and Ovarian Cancer; Hereditary breast and ovarian cancer syndrome; Hereditary breast and ovarian cancer syndrome (HBOC); Breast and ovarian cancer; Hereditary breast and/or ovarian cancer syndrome. Identifiers: Orphanet 145, MedGen C0677776, MeSH D061325, MONDO:0003582. Disease mechanism: loss of function.

Submission:

Labcorp Genetics (formerly Invitae), Labcorp
Classification: Uncertain significance for Hereditary breast ovarian cancer syndrome. Last evaluated: 2023-02-02. Review status: criteria provided, single submitter. Criteria: Invitae Variant Classification Sherloc (09022015). Collection method: clinical testing. Allele origin: germline.
Comment: This sequence change replaces lysine, which is basic and polar, with arginine, which is basic and polar, at codon 1104 of the BRCA1 protein (p.Lys1104Arg). This variant is not present in population databases (gnomAD no frequency). This variant has not been reported in the literature in individuals affected with BRCA1-related conditions. Advanced modeling of protein sequence and biophysical properties (such as structural, functional, and spatial information, amino acid conservation, physicochemical variation, residue mobility, and thermodynamic stability) performed at Invitae indicates that this missense variant is not expected to disrupt BRCA1 protein function. In summary, the available evidence is currently insufficient to determine the role of this variant in disease. Therefore, it has been classified as a Variant of Uncertain Significance.

NM_007294.4(BRCA1):c.3311A>G (p.Lys1104Arg)

Genes: BRCA1 (BRCA1 DNA repair associated; minus strand), LOC126862571 (BRD4-independent group 4 enhancer GRCh37_chr17:41243136-41244335; plus strand). Cytogenetic location: 17q21.31.
Variant type: single nucleotide variant.
Coding change: c.3311A>G on transcript NM_007294.4 (MANE Select); coding-DNA position 3311, A replaced by G.
Protein change: p.Lys1104Arg; replaces lysine 1104 with arginine.
Molecular consequence: missense variant. On other transcripts: intron variant (137).
Genome position (GRCh38, 1-based): chr17:43,092,220, T>C on the plus strand (A>G on the coding strand, the complement: BRCA1 is on the minus strand). VCF-style: chr17-43092220-T-C. GRCh37 (hg19) VCF-style: chr17-41244237-T-C.
Other names: c.3311A>G, p.Lys1104Arg (NM_001407581.1, NM_001407582.1, NM_001407583.1 and 30 more transcripts); c.3308A>G, p.Lys1103Arg (NM_001407587.1, NM_001407590.1, NM_001407591.1 and 22 more transcripts); c.3098A>G, p.Lys1033Arg (NM_001407571.1, NM_001407853.1, NM_001407894.1 and 9 more transcripts); c.3302A>G, p.Lys1101Arg (NM_001407646.1, NM_001407647.1); c.3188A>G, p.Lys1063Arg (NM_001407648.1, NM_001407664.1, NM_001407665.1 and 19 more transcripts); c.3185A>G, p.Lys1062Arg (NM_001407649.1, NM_001407670.1, NM_001407671.1 and 11 more transcripts); c.3233A>G, p.Lys1078Arg (NM_001407653.1, NM_001407654.1, NM_001407655.1 and 4 more transcripts); c.3230A>G, p.Lys1077Arg (NM_001407659.1, NM_001407660.1, NM_001407661.1 and 1 more transcripts); and 41 more; short protein forms K1037R, K1077R, K1104R, K977R, K1015R, K1036R, K1056R, K1057R.
Identifiers: ClinVar variation 2833962 (VCV002833962.3), dbSNP rs2154329803, ClinGen allele CA10595365.